The following is an entry in ClinVar:

NM_014875.3(KIF14):c.970A>G (p.Asn324Asp)

Gene: KIF14 (kinesin family member 14; minus strand). Cytogenetic location: 1q32.1.
Variant type: single nucleotide variant.
Coding change: c.970A>G on transcript NM_014875.3 (MANE Select); coding-DNA position 970, A replaced by G.
Protein change: p.Asn324Asp; replaces asparagine 324 with aspartic acid.
Molecular consequence: missense variant. On other transcripts: 5 prime UTR variant (1).
Genome position (GRCh38, 1-based): chr1:200,617,754, T>C on the plus strand (A>G on the coding strand, the complement: KIF14 is on the minus strand). VCF-style: chr1-200617754-T-C. GRCh37 (hg19) VCF-style: chr1-200586882-T-C.
Other names: c.-416A>G (NM_001305792.1); short protein forms N324D.
Identifiers: ClinVar variation 4687789 (VCV004687789.1).

ClinVar aggregate classification (germline): Uncertain significance (1 of 4 stars; one submission).

gnomAD v4.1: 11 of 1,614,106 alleles (0.00068%); highest among the groups gnomAD compares: Admixed American, 0.005%; no homozygotes.

Submission:

Women's Health and Genetics/Laboratory Corporation of America, LabCorp
Classification: Uncertain significance. Last evaluated: 2025-10-23. Review status: criteria provided, single submitter. Criteria: LabCorp Variant Classification Summary - May 2015. Collection method: clinical testing. Allele origin: germline.
Comment: Variant summary: KIF14 c.970A>G (p.Asn324Asp) results in a conservative amino acid change in the encoded protein sequence. Algorithms developed to predict the effect of missense changes on protein structure and function all suggest that this variant is likely to be tolerated. The variant allele was found at a frequency of 1.6e-05 in 251462 control chromosomes. The available data on variant occurrences in the general population are insufficient to allow any conclusion about variant significance. To our knowledge, no occurrence of c.970A>G in individuals affected with KIF14-related conditions and no experimental evidence demonstrating its impact on protein function have been reported. No submitters have cited clinical-significance assessments for this variant to ClinVar. Based on the evidence outlined above, the variant was classified as uncertain significance.